The following is an entry in ClinVar:

ClinVar aggregate classification (germline): Uncertain significance. Review status: criteria provided, multiple submitters, no conflicts (2 of 4 stars). 3 submissions from 3 submitters: Uncertain significance (3). Last evaluated 2025-05-30.

Conditions:
Malignant hyperthermia, susceptibility to, 5 (MHS5). Also called: CACNA1S-Related Malignant Hyperthermia Susceptibility. Identifiers: Orphanet 423, MedGen C1866077, MONDO:0011163, OMIM 601887.
Hypokalemic periodic paralysis, type 1. Also called: HypoPP; Hypokalemic Periodic Paralysis Type 1 (AD). Identifiers: Orphanet 681, MedGen C3714580, MONDO:0042979, OMIM 170400.

Allele frequency attached by ClinVar (database versions not stated): gnomAD exomes 0.00001; TOPMed 0.00001.
gnomAD v4.1: 15 of 1,613,308 alleles (0.00093%); highest among the groups gnomAD compares: Non-Finnish European, 0.0013%; no homozygotes.

Submissions (3):

Color Diagnostics, LLC DBA Color Health
Classification: Uncertain significance for Malignant hyperthermia, susceptibility to, 5. Last evaluated: 2025-05-30. Review status: criteria provided, single submitter. Criteria: ACMG Guidelines, 2015. Collection method: clinical testing. Allele origin: germline.
Comment: This missense variant replaces isoleucine with leucine at codon 538 of the CACNA1S protein. Computational prediction suggests that this variant may not impact protein structure and function. To our knowledge, functional studies have not been reported for this variant. This variant has not been reported in individuals affected with CACNA1S-related disorders in the literature. This variant has not been identified in the general population by the Genome Aggregation Database (gnomAD). The available evidence is insufficient to determine the role of this variant in disease conclusively. Therefore, this variant is classified as a Variant of Uncertain Significance.

Labcorp Genetics (formerly Invitae), Labcorp
Classification: Uncertain significance for Hypokalemic periodic paralysis, type 1; Malignant hyperthermia, susceptibility to, 5. Last evaluated: 2024-06-23. Review status: criteria provided, single submitter. Criteria: Invitae Variant Classification Sherloc (09022015). Collection method: clinical testing. Allele origin: germline.
Comment: This sequence change replaces isoleucine, which is neutral and non-polar, with leucine, which is neutral and non-polar, at codon 538 of the CACNA1S protein (p.Ile538Leu). This variant is not present in population databases (gnomAD no frequency). This variant has not been reported in the literature in individuals affected with CACNA1S-related conditions. Advanced modeling of protein sequence and biophysical properties (such as structural, functional, and spatial information, amino acid conservation, physicochemical variation, residue mobility, and thermodynamic stability) performed at Invitae indicates that this missense variant is not expected to disrupt CACNA1S protein function with a negative predictive value of 80%. In summary, the available evidence is currently insufficient to determine the role of this variant in disease. Therefore, it has been classified as a Variant of Uncertain Significance.

All of Us Research Program, National Institutes of Health
Classification: Uncertain significance for Malignant hyperthermia, susceptibility to, 5. Last evaluated: 2024-01-11. Review status: criteria provided, single submitter. Criteria: ACMG Guidelines, 2015. Collection method: clinical testing. Allele origin: germline. Inheritance: Autosomal dominant inheritance. Observed: 1 variant allele, 1 heterozygote.
Comment: This study involves interpretation of variants in research participants for the purpose of population health screening. Participant phenotype was not available at the time of variant classification. Additional details can be found in publication PMID: 35346344, PMCID: PMC8962531

NM_000069.3(CACNA1S):c.1612A>C (p.Ile538Leu)

Gene: CACNA1S (calcium voltage-gated channel subunit alpha1 S; minus strand). Cytogenetic location: 1q32.1.
Variant type: single nucleotide variant.
Coding change: c.1612A>C on transcript NM_000069.3 (MANE Select); coding-DNA position 1612, A replaced by C.
Protein change: p.Ile538Leu; replaces isoleucine 538 with leucine.
Molecular consequence: missense variant.
Genome position (GRCh38, 1-based): chr1:201,077,886, T>G on the plus strand (A>C on the coding strand, the complement: CACNA1S is on the minus strand). VCF-style: chr1-201077886-T-G. GRCh37 (hg19) VCF-style: chr1-201047014-T-G.
Other names: short protein forms I538L.
Identifiers: ClinVar variation 3074963 (VCV003074963.4), dbSNP rs907125046, ClinGen allele CA35978838.